The following is an entry in ClinVar:

ClinVar aggregate classification (germline): Likely pathogenic. Review status: criteria provided, multiple submitters, no conflicts (2 of 4 stars). 2 submissions from 2 submitters: Likely pathogenic (2). Last evaluated 2026-02-03.

Conditions:
Pitt-Hopkins-like syndrome 2 (PTHSL2). Identifiers: Orphanet 221150, Orphanet 600663, MedGen C3280479, MONDO:0013690, OMIM 614325.

Allele frequency attached by ClinVar (database versions not stated): gnomAD exomes 0.00001; TOPMed 0.00002.
gnomAD v4.1: 20 of 1,377,960 alleles (0.0015%); highest among the groups gnomAD compares: East Asian, 0.0026%; no homozygotes.

Submissions (2):

Labcorp Genetics (formerly Invitae), Labcorp
Classification: Likely pathogenic for Pitt-Hopkins-like syndrome 2. Last evaluated: 2026-02-03. Review status: criteria provided, single submitter. Criteria: Invitae Variant Classification Sherloc (09022015). Collection method: clinical testing. Allele origin: germline.
Comment: This sequence change affects a donor splice site in intron 6 of the NRXN1 gene. It is expected to disrupt RNA splicing. Variants that disrupt the donor or acceptor splice site typically lead to a loss of protein function (PMID: 16199547), and loss-of-function variants in NRXN1 are known to be pathogenic (PMID: 19896112, 21964664, 23495017, 23533028, 25149956, 30031152). The frequency data for this variant in the population databases is considered unreliable, as metrics indicate poor data quality at this position in the gnomAD database. This variant has not been reported in the literature in individuals affected with NRXN1-related conditions. ClinVar contains an entry for this variant (Variation ID: 859935). Algorithms developed to predict the effect of sequence changes on RNA splicing suggest that this variant may disrupt the consensus splice site. In summary, the currently available evidence indicates that the variant is pathogenic, but additional data are needed to prove that conclusively. Therefore, this variant has been classified as Likely Pathogenic.

GeneDx
Classification: Likely pathogenic. Last evaluated: 2025-07-24. Review status: criteria provided, single submitter. Criteria: GeneDx Variant Classification Process June 2021. Collection method: clinical testing. Allele origin: germline. Affected: yes.
Comment: Canonical splice site variant predicted to result in an in-frame loss of the adjacent exon in a gene for which loss of function is a known mechanism of disease; Not observed at significant frequency in large population cohorts (gnomAD); Has not been previously published as pathogenic or benign to our knowledge

Literature cited by the submitters: PubMed 16199547 (cited by Labcorp Genetics (formerly Invitae), Labcorp); PubMed 19896112 (cited by Labcorp Genetics (formerly Invitae), Labcorp); PubMed 21964664 (cited by Labcorp Genetics (formerly Invitae), Labcorp); PubMed 23495017 (cited by Labcorp Genetics (formerly Invitae), Labcorp); PubMed 23533028 (cited by Labcorp Genetics (formerly Invitae), Labcorp); PubMed 25149956 (cited by Labcorp Genetics (formerly Invitae), Labcorp); PubMed 30031152 (cited by Labcorp Genetics (formerly Invitae), Labcorp).

NM_001330078.2(NRXN1):c.832+1G>A

Gene: NRXN1 (neurexin 1; minus strand). Cytogenetic location: 2p16.3.
Variant type: single nucleotide variant.
Coding change: c.832+1G>A on transcript NM_001330078.2 (MANE Select); the canonical splice donor site of the intron after coding-DNA position 832, G replaced by A.
Molecular consequence: splice donor variant. On other transcripts: intron variant (6).
Genome position (GRCh38, 1-based): chr2:50,921,868, C>T on the plus strand (G>A on the coding strand, the complement: NRXN1 is on the minus strand). VCF-style: chr2-50921868-C-T. GRCh37 (hg19) VCF-style: chr2-51149006-C-T.
Other names: c.772+105634G>A (NM_001330096.2, NM_001330087.2, NM_001330083.2 and 1 more transcripts); c.802+790G>A (NM_001330088.2); c.829+1G>A (NM_001330093.2, NM_001330079.2); c.820+790G>A (NM_001330094.2); c.832+1G>A (NM_001330095.2, NM_001330082.2, NM_001330077.2 and 5 more transcripts); c.931+1G>A (NM_001135659.3).
Identifiers: ClinVar variation 859935 (VCV000859935.12), dbSNP rs764621123, ClinGen allele CA48023281.
Genomic context (GRCh38, chr2:50,921,868, plus strand): 5'-TAACTCAGACACACTGTAATTCATACAGATGATATTAAGAAGAAATAAAATAATGTAATA[C>T]CTTTACTTTTACCTATGGATTTGATGAAATGGGTCCATGAAGAAAGGGTTTCCAGACAAA-3'